The following is an entry in ClinVar:

ClinVar aggregate classification (germline): Conflicting classifications of pathogenicity. Review status: criteria provided, conflicting classifications (1 of 4 stars). 4 submissions from 4 submitters: Uncertain significance (3); Likely benign (1). Last evaluated 2026-01-19.

Conditions:
Inborn genetic diseases. Identifiers: MedGen C0950123, MeSH D030342.

Allele frequency attached by ClinVar (database versions not stated): ExAC 0.00002; gnomAD 0.00002; gnomAD exomes 0.00002 and 0.00005; TOPMed 0.00003; ESP Exome Variant Server 0.00008.
gnomAD v4.1: 36 of 1,613,302 alleles (0.0022%); highest among the groups gnomAD compares: East Asian, 0.038%; no homozygotes.

Submissions (4):

Labcorp Genetics (formerly Invitae), Labcorp
Classification: Likely benign. Last evaluated: 2026-01-19. Review status: criteria provided, single submitter. Criteria: Invitae Variant Classification Sherloc (09022015). Collection method: clinical testing. Allele origin: germline.

Ambry Genetics
Classification: Uncertain significance for Inborn genetic diseases. Last evaluated: 2024-08-10. Review status: criteria provided, single submitter. Criteria: Ambry Variant Classification Scheme 2023. Collection method: clinical testing. Allele origin: germline.

GeneDx
Classification: Uncertain significance. Last evaluated: 2021-07-09. Review status: criteria provided, single submitter. Criteria: GeneDx Variant Classification Process June 2021. Collection method: clinical testing. Allele origin: germline. Affected: yes.
Comment: In silico analysis supports that this missense variant does not alter protein structure/function; Has not been previously published as pathogenic or benign to our knowledge

Blueprint Genetics
Classification: Uncertain significance. Last evaluated: 2019-10-23. Review status: criteria provided, single submitter. Criteria: ACMG Guidelines, 2015. Collection method: clinical testing. Allele origin: germline.

NM_032119.4(ADGRV1):c.12485T>C (p.Ile4162Thr)

Gene: ADGRV1 (adhesion G protein-coupled receptor V1; plus strand). Cytogenetic location: 5q14.3.
Variant type: single nucleotide variant.
Coding change: c.12485T>C on transcript NM_032119.4 (MANE Select); coding-DNA position 12485, T replaced by C.
Protein change: p.Ile4162Thr; replaces isoleucine 4162 with threonine.
Molecular consequence: missense variant. On other transcripts: non-coding transcript variant (1).
Genome position (GRCh38, 1-based): chr5:90,776,534, T>C. VCF-style: chr5-90776534-T-C. GRCh37 (hg19) VCF-style: chr5-90072351-T-C.
Other names: short protein forms I4162T.
Identifiers: ClinVar variation 1316451 (VCV001316451.9), dbSNP rs370746571, ClinGen allele CA3341258.
Genomic context (GRCh38, chr5:90,776,534, plus strand): 5'-GGGGTGATAAGCGAGCATCAGGAGAAGTTGGGATAGCTCCGTCATCTAGGCACATCCTCA[T>C]TGGGGAACCCTCAGCAAAATATAATGGTACCGCTATTATCAGGTAAGGACTTCATGATTT-3'
Protein context (NP_115495.3, residues 4152-4172): GIAPSSRHIL[Ile4162Thr]GEPSAKYNGT